The following is an entry in ClinVar:

ClinVar aggregate classification (germline): Uncertain significance (1 of 4 stars; one submission).

Conditions:
Epileptic encephalopathy. Identifiers: MedGen C0543888, HP:0200134.

Allele frequency attached by ClinVar (database versions not stated): gnomAD exomes 0.00001 and below 0.00001; gnomAD 0.00002; TOPMed 0.00003.
gnomAD v4.1: 23 of 1,613,848 alleles (0.0014%); highest among the groups gnomAD compares: African/African-American, 0.0027%; no homozygotes.

Submission:

Labcorp Genetics (formerly Invitae), Labcorp
Classification: Uncertain significance for Epileptic encephalopathy. Last evaluated: 2017-08-17. Review status: criteria provided, single submitter. Criteria: Invitae Variant Classification Sherloc (09022015). Collection method: clinical testing. Allele origin: germline.
Comment: This sequence change replaces proline with arginine at codon 4296 of the RYR3 protein (p.Pro4296Arg). The proline residue is moderately conserved and there is a moderate physicochemical difference between proline and arginine. In summary, the available evidence is currently insufficient to determine the role of this variant in disease. Therefore, it has been classified as a Variant of Uncertain Significance. Algorithms developed to predict the effect of missense changes on protein structure and function (SIFT, PolyPhen-2, Align-GVGD) all suggest that this variant is likely to be tolerated, but these predictions have not been confirmed by published functional studies and their clinical significance is uncertain. This variant has not been reported in the literature in individuals with RYR3-related disease. This variant is not present in population databases (ExAC no frequency).

NM_001036.6(RYR3):c.12887C>G (p.Pro4296Arg)

Gene: RYR3 (ryanodine receptor 3; plus strand). Cytogenetic location: 15q14.
Variant type: single nucleotide variant.
Coding change: c.12887C>G on transcript NM_001036.6 (MANE Select); coding-DNA position 12887, C replaced by G.
Protein change: p.Pro4296Arg; replaces proline 4296 with arginine.
Molecular consequence: missense variant.
Genome position (GRCh38, 1-based): chr15:33,838,867, C>G. VCF-style: chr15-33838867-C-G. GRCh37 (hg19) VCF-style: chr15-34131068-C-G.
Other names: c.12872C>G, p.Pro4291Arg (NM_001243996.4); short protein forms P4296R, P4291R.
Identifiers: ClinVar variation 531012 (VCV000531012.8), dbSNP rs770116543, ClinGen allele CA268593637.